The following is an entry in ClinVar:

NM_020719.3(PRR12):c.3472A>C (p.Lys1158Gln)

Gene: PRR12 (proline rich 12; plus strand). Cytogenetic location: 19q13.33.
Variant type: single nucleotide variant.
Coding change: c.3472A>C on transcript NM_020719.3 (MANE Select); coding-DNA position 3472, A replaced by C.
Protein change: p.Lys1158Gln; replaces lysine 1158 with glutamine.
Molecular consequence: missense variant.
Genome position (GRCh38, 1-based): chr19:49,597,807, A>C. VCF-style: chr19-49597807-A-C. GRCh37 (hg19) VCF-style: chr19-50101064-A-C.
Other names: short protein forms K1158Q.
Identifiers: ClinVar variation 3766063 (VCV003766063.1).
Genomic context (GRCh38, chr19:49,597,807, plus strand): 5'-GGGGACATCGACTTCTGCCCACCCAACCCAGGACCCGATGGCCCCCGGCGCCGTGGCCGC[A>C]AGCCCACGAAGGCGAAACGTGATGGGCCACCCCGGCCACGGGGGAGGCCCCGGATCCGCC-3'
Protein context (NP_065770.1, residues 1148-1168): GPDGPRRRGR[Lys1158Gln]PTKAKRDGPP

ClinVar aggregate classification (germline): Uncertain significance (1 of 4 stars; one submission).

gnomAD v4.1: 1 of 1,548,664 alleles (0.000065%); highest among the groups gnomAD compares: East Asian, 0.0023%; no homozygotes.

Submission:

GeneDx
Classification: Uncertain significance. Last evaluated: 2024-08-28. Review status: criteria provided, single submitter. Criteria: GeneDx Variant Classification Process June 2021. Collection method: clinical testing. Allele origin: germline. Affected: yes.
Comment: In silico analysis indicates that this missense variant does not alter protein structure/function; Has not been previously published as pathogenic or benign to our knowledge